The following is an entry in ClinVar:

ClinVar aggregate classification (germline): Uncertain significance (1 of 4 stars; one submission).

Submission:

Mayo Clinic Laboratories, Mayo Clinic
Classification: Uncertain significance. Last evaluated: 2025-09-19. Review status: criteria provided, single submitter. Criteria: ACMG Guidelines, 2015. Collection method: clinical testing. Allele origin: germline. Observed: 1 variant allele.
Comment: BP4_moderate, PM2_supporting

NM_024580.6(EFL1):c.2798G>T (p.Gly933Val)

Gene: EFL1 (elongation factor like GTPase 1; minus strand). Cytogenetic location: 15q25.2.
Variant type: single nucleotide variant.
Coding change: c.2798G>T on transcript NM_024580.6 (MANE Select); coding-DNA position 2798, G replaced by T.
Protein change: p.Gly933Val; replaces glycine 933 with valine.
Molecular consequence: missense variant. On other transcripts: non-coding transcript variant (1).
Genome position (GRCh38, 1-based): chr15:82,151,656, C>A on the plus strand (G>T on the coding strand, the complement: EFL1 is on the minus strand). VCF-style: chr15-82151656-C-A. GRCh37 (hg19) VCF-style: chr15-82443997-C-A.
Other names: p.Gly933Val; c.2645G>T, p.Gly882Val (NM_001040610.3); c.2009G>T, p.Gly670Val (NM_001322844.2); c.2798G>T, p.Gly933Val (NM_001322845.2); short protein forms G933V, G882V, G670V.
Identifiers: ClinVar variation 4541966 (VCV004541966.1).